The following is an entry in ClinVar:

ClinVar aggregate classification (germline): Uncertain significance (1 of 4 stars; one submission).

Conditions:
Inborn genetic diseases. Identifiers: MedGen C0950123, MeSH D030342.

gnomAD v4.1: 12 of 1,614,020 alleles (0.00074%); highest among the groups gnomAD compares: African/African-American, 0.004%; no homozygotes.

Submission:

Ambry Genetics
Classification: Uncertain significance for Inborn genetic diseases. Last evaluated: 2026-03-23. Review status: criteria provided, single submitter. Criteria: Ambry Variant Classification Scheme 2023. Collection method: clinical testing. Allele origin: germline.
Comment: The c.3167C>T (p.T1056M) alteration is located in exon 15 (coding exon 15) of the TAF4 gene. This alteration results from a C to T substitution at nucleotide position 3167, causing the threonine (T) at amino acid position 1056 to be replaced by a methionine (M). Based on data from gnomAD, the T allele has an overall frequency of 0.001% (2/251378) total alleles studied. The highest observed frequency was 0.012% (2/16250) of African alleles. Based on insufficient or conflicting evidence, the clinical significance of this alteration remains unclear.

NM_003185.4(TAF4):c.3167C>T (p.Thr1056Met)

Gene: TAF4 (TATA-box binding protein associated factor 4; minus strand). Cytogenetic location: 20q13.33.
Variant type: single nucleotide variant.
Coding change: c.3167C>T on transcript NM_003185.4 (MANE Select); coding-DNA position 3167, C replaced by T.
Protein change: p.Thr1056Met; replaces threonine 1056 with methionine.
Molecular consequence: missense variant.
Genome position (GRCh38, 1-based): chr20:61,976,259, G>A on the plus strand (C>T on the coding strand, the complement: TAF4 is on the minus strand). VCF-style: chr20-61976259-G-A. GRCh37 (hg19) VCF-style: chr20-60551315-G-A.
Other names: short protein forms T1056M.
Identifiers: ClinVar variation 4865291 (VCV004865291.1).